The following is an entry in ClinVar:

ClinVar aggregate classification (germline): Uncertain significance (1 of 4 stars; one submission).

Conditions:
NARS2-related disorder. Also called: NARS2-related condition.

gnomAD v4.1: 7 of 1,613,228 alleles (0.00043%); highest among the groups gnomAD compares: African/African-American, 0.0094%; no homozygotes.

Submission:

PreventionGenetics, part of Exact Sciences
Classification: Uncertain significance for NARS2-related condition. Last evaluated: 2025-09-17. Review status: criteria provided, single submitter. Criteria: ACMG Guidelines, 2015. Collection method: clinical testing. Allele origin: germline.
Comment: The NARS2 c.554C>G variant is predicted to result in the amino acid substitution p.Ser185Cys. To our knowledge, this variant has not been reported in the literature. This variant is reported in 0.016% of alleles in individuals of African descent in gnomAD. At this time, the clinical significance of this variant is uncertain due to the absence of conclusive functional and genetic evidence.

NM_024678.6(NARS2):c.554C>G (p.Ser185Cys)

Gene: NARS2 (asparaginyl-tRNA synthetase 2, mitochondrial; minus strand). Cytogenetic location: 11q14.1.
Variant type: single nucleotide variant.
Coding change: c.554C>G on transcript NM_024678.6 (MANE Select); coding-DNA position 554, C replaced by G.
Protein change: p.Ser185Cys; replaces serine 185 with cysteine.
Molecular consequence: missense variant. On other transcripts: 5 prime UTR variant (6), non-coding transcript variant (4), intron variant (2).
Genome position (GRCh38, 1-based): chr11:78,559,579, G>C on the plus strand (C>G on the coding strand, the complement: NARS2 is on the minus strand). VCF-style: chr11-78559579-G-C. GRCh37 (hg19) VCF-style: chr11-78270625-G-C.
Other names: c.-128C>G (NM_001243251.2, NM_001425310.1, NM_001425313.1 and 1 more transcripts); c.554C>G, p.Ser185Cys (NM_001425299.1, NM_001425300.1, NM_001425301.1 and 5 more transcripts); c.323C>G, p.Ser108Cys (NM_001425308.1); c.-3C>G (NM_001425311.1); c.-200C>G (NM_001425312.1); c.513+6553C>G (NM_001425303.1, NM_001425302.1); short protein forms S108C, S185C.
Identifiers: ClinVar variation 4977918 (VCV004977918.1).